The following is an entry in ClinVar:

NM_001370259.2(MEN1):c.1351-11C>T

Gene: MEN1 (menin 1; minus strand). Cytogenetic location: 11q13.1.
Variant type: single nucleotide variant.
Coding change: c.1351-11C>T on transcript NM_001370259.2 (MANE Select); 11 bases into the intron before coding-DNA position 1351, C replaced by T.
Molecular consequence: intron variant.
Genome position (GRCh38, 1-based): chr11:64,804,827, G>A on the plus strand (C>T on the coding strand, the complement: MEN1 is on the minus strand). VCF-style: chr11-64804827-G-A. GRCh37 (hg19) VCF-style: chr11-64572299-G-A.
Other names: c.1366-11C>T (NM_130804.3, NM_130803.3, NM_000244.4 and 3 more transcripts); c.1351-11C>T (NM_130799.3, NM_001370260.2, NM_001370261.2); c.1477-11C>T (NM_001370251.2); c.1246-11C>T (NM_001370263.2, NM_001370262.2).
Identifiers: ClinVar variation 1674169 (VCV001674169.9), dbSNP rs1941574613, ClinGen allele CA938859424.

ClinVar aggregate classification (germline): Likely benign. Review status: criteria provided, multiple submitters, no conflicts (2 of 4 stars). 2 submissions from 2 submitters: Likely benign (2). Last evaluated 2025-05-07.

Conditions:
Multiple endocrine neoplasia, type 1 (MEN1). Also called: MEA I; MEN I; WERMER SYNDROME; Endocrine adenomatosis multiple; MEN 1. Identifiers: Orphanet 652, MedGen C0025267, MeSH D018761, MONDO:0007540, OMIM 131100.

Allele frequency attached by ClinVar (database versions not stated): gnomAD exomes below 0.00001; gnomAD 0.00001; TOPMed 0.00001.
gnomAD v4.1: 3 of 1,596,710 alleles (0.00019%); highest among the groups gnomAD compares: Admixed American, 0.0033%; no homozygotes.

Submissions (2):

Labcorp Genetics (formerly Invitae), Labcorp
Classification: Likely benign for Multiple endocrine neoplasia, type 1. Last evaluated: 2025-05-07. Review status: criteria provided, single submitter. Criteria: Invitae Variant Classification Sherloc (09022015). Collection method: clinical testing. Allele origin: germline.

Myriad Genetics, Inc.
Classification: Likely benign for Multiple endocrine neoplasia, type 1. Last evaluated: 2024-11-05. Review status: criteria provided, single submitter. Criteria: Myriad Autosomal Dominant, Autosomal Recessive and X-Linked Classification Criteria (2023). Collection method: clinical testing. Allele origin: unknown.
Comment: This variant is considered likely benign. This variant is intronic and is not expected to impact mRNA splicing.